The following is an entry in ClinVar:

NM_021224.6(ZNF462):c.3774C>T (p.Asp1258=)

Gene: ZNF462 (zinc finger protein 462; plus strand). Cytogenetic location: 9q31.2.
Variant type: single nucleotide variant.
Coding change: c.3774C>T on transcript NM_021224.6 (MANE Select); coding-DNA position 3774, C replaced by T.
Protein change: p.Asp1258=; no amino-acid change (aspartic acid 1258 retained).
Molecular consequence: synonymous variant. On other transcripts: intron variant (1).
Genome position (GRCh38, 1-based): chr9:106,927,686, C>T. VCF-style: chr9-106927686-C-T. GRCh37 (hg19) VCF-style: chr9-109689967-C-T.
Other names: c.3252+522C>T (NM_001347997.2).
Identifiers: ClinVar variation 2659376 (VCV002659376.24), dbSNP rs375657056, ClinGen allele CA5171719.

ClinVar aggregate classification (germline): Likely benign (1 of 4 stars; one submission).

Allele frequency attached by ClinVar (database versions not stated): gnomAD exomes below 0.00001; TOPMed below 0.00001; ExAC 0.00001; gnomAD 0.00001; ESP Exome Variant Server 0.00008.

Submission:

CeGaT Center for Human Genetics Tuebingen
Classification: Likely benign. Last evaluated: 2022-09-01. Review status: criteria provided, single submitter. Criteria: CeGaT Center For Human Genetics Tuebingen Variant Classification Criteria Version 2. Collection method: clinical testing. Allele origin: germline. Affected: yes. Observed: 1 variant allele.
Comment: ZNF462: BP4, BP7